The following is an entry in ClinVar:

NM_012254.3(SLC27A5):c.1896+6C>A

Gene: SLC27A5 (solute carrier family 27 member 5; minus strand). Cytogenetic location: 19q13.43.
Variant type: single nucleotide variant.
Coding change: c.1896+6C>A on transcript NM_012254.3 (MANE Select); 6 bases into the intron after coding-DNA position 1896, C replaced by A.
Molecular consequence: intron variant.
Genome position (GRCh38, 1-based): chr19:58,498,779, G>T on the plus strand (C>A on the coding strand, the complement: SLC27A5 is on the minus strand). VCF-style: chr19-58498779-G-T. GRCh37 (hg19) VCF-style: chr19-59010146-G-T.
Other names: c.1644+6C>A (NM_001321196.2).
Identifiers: ClinVar variation 4848705 (VCV004848705.1).

ClinVar aggregate classification (germline): Uncertain significance (1 of 4 stars; one submission).

Submission:

Women's Health and Genetics/Laboratory Corporation of America, LabCorp
Classification: Uncertain significance. Last evaluated: 2026-04-09. Review status: criteria provided, single submitter. Criteria: LabCorp Variant Classification Summary - May 2015. Collection method: clinical testing. Allele origin: germline.
Comment: Variant summary: SLC27A5 c.1896+6C>A alters a non-conserved nucleotide located close to a canonical splice site and therefore could affect mRNA splicing, leading to a significantly altered protein sequence. Consensus agreement among computation tools predict no significant impact on normal splicing. However, these predictions have yet to be confirmed by functional studies. The variant was absent in 250238 control chromosomes. The available data on variant occurrences in the general population are insufficient to allow any conclusion about variant significance. To our knowledge, no occurrence of c.1896+6C>A in individuals affected with SLC27A5-related conditions and no experimental evidence demonstrating its impact on protein function have been reported. No submitters have cited clinical-significance assessments for this variant to ClinVar. Based on the evidence outlined above, the variant was classified as uncertain significance.